The following is an entry in ClinVar:

NM_022041.4(GAN):c.229G>A (p.Gly77Arg)

Gene: GAN (gigaxonin; plus strand). Cytogenetic location: 16q23.2.
Variant type: single nucleotide variant.
Coding change: c.229G>A on transcript NM_022041.4 (MANE Select); coding-DNA position 229, G replaced by A.
Protein change: p.Gly77Arg; replaces glycine 77 with arginine.
Molecular consequence: missense variant. On other transcripts: intron variant (1).
Genome position (GRCh38, 1-based): chr16:81,351,644, G>A. VCF-style: chr16-81351644-G-A. GRCh37 (hg19) VCF-style: chr16-81385249-G-A.
Other names: c.-357-2761G>A (NM_001377486.1); short protein forms G77R.
Identifiers: ClinVar variation 4855363 (VCV004855363.1).

ClinVar aggregate classification (germline): Uncertain significance (1 of 4 stars; one submission).

Conditions:
Giant axonal neuropathy 1 (GAN1). Also called: GIANT AXONAL NEUROPATHY 1, AUTOSOMAL RECESSIVE; GAN-Related Neurodegeneration. Identifiers: Orphanet 643, MedGen C1850386, MONDO:0009749, OMIM 256850.

Submission:

3billion
Classification: Uncertain significance for Giant axonal neuropathy 1. Last evaluated: 2025-10-07. Review status: criteria provided, single submitter. Criteria: ACMG Guidelines, 2015. Collection method: clinical testing. Allele origin: germline. Affected: yes.
Comment: The variant is not observed in the gnomAD v4.1.0 dataset. Predicted Consequence/Location: Missense variant In silico tool predictions suggest damaging effect of the variant on gene or gene product [REVEL: 0.65 (>=0.6, sensitivity 0.68 and specificity 0.92)]. Therefore, this variant is classified as VUS according to the recommendation of ACMG/AMP guideline.